The following is an entry in ClinVar:

ClinVar aggregate classification (germline): Conflicting classifications of pathogenicity. Review status: criteria provided, conflicting classifications (1 of 4 stars). 2 submissions from 2 submitters: Uncertain significance (1); Likely benign (1). Last evaluated 2025-10-07.

Conditions:
AFF4-related disorder. Also called: AFF4-related condition.
Cognitive impairment - coarse facies - heart defects - obesity - pulmonary involvement - short stature - skeletal dysplasia syndrome. Also called: AFF4-Related CHOPS Syndrome; COGNITIVE IMPAIRMENT, COARSE FACIES, HEART DEFECTS, OBESITY, PULMONARY INVOLVEMENT, SHORT STATURE, AND SKELETAL DYSPLASIA; Chops syndrome. Identifiers: Orphanet 444077, MedGen C4085597, MONDO:0014609, OMIM 616368.

gnomAD v4.1: 6 of 1,613,578 alleles (0.00037%); highest among the groups gnomAD compares: Admixed American, 0.005%; no homozygotes.

Submissions (2):

PreventionGenetics, part of Exact Sciences
Classification: Likely benign for AFF4-related condition. Last evaluated: 2025-10-07. Review status: criteria provided, single submitter. Criteria: ACMG Guidelines, 2015. Collection method: clinical testing. Allele origin: germline.
Comment: This variant is classified as likely benign based on ACMG/AMP sequence variant interpretation guidelines (Richards et al. 2015 PMID: 25741868, with internal and published modifications).

Labcorp Genetics (formerly Invitae), Labcorp
Classification: Uncertain significance for Cognitive impairment - coarse facies - heart defects - obesity - pulmonary involvement - short stature - skeletal dysplasia syndrome. Last evaluated: 2025-05-26. Review status: criteria provided, single submitter. Criteria: Invitae Variant Classification Sherloc (09022015). Collection method: clinical testing. Allele origin: germline.
Comment: This sequence change falls in intron 12 of the AFF4 gene. It does not directly change the encoded amino acid sequence of the AFF4 protein. It affects a nucleotide within the consensus splice site. This variant is present in population databases (rs376402769, gnomAD 0.01%). This variant has not been reported in the literature in individuals affected with AFF4-related conditions. Variants that disrupt the consensus splice site are a relatively common cause of aberrant splicing (PMID: 17576681, 9536098). Algorithms developed to predict the effect of sequence changes on RNA splicing suggest that this variant is not likely to affect RNA splicing. In summary, the available evidence is currently insufficient to determine the role of this variant in disease. Therefore, it has been classified as a Variant of Uncertain Significance.

Literature cited by the submitters: PubMed 17576681 (cited by Labcorp Genetics (formerly Invitae), Labcorp); PubMed 9536098 (cited by Labcorp Genetics (formerly Invitae), Labcorp).

NM_014423.4(AFF4):c.2396+4C>T

Gene: AFF4 (ALF transcription elongation factor 4; minus strand). Cytogenetic location: 5q31.1.
Variant type: single nucleotide variant.
Coding change: c.2396+4C>T on transcript NM_014423.4 (MANE Select); 4 bases into the intron after coding-DNA position 2396, C replaced by T.
Molecular consequence: intron variant.
Genome position (GRCh38, 1-based): chr5:132,893,026, G>A on the plus strand (C>T on the coding strand, the complement: AFF4 is on the minus strand). VCF-style: chr5-132893026-G-A. GRCh37 (hg19) VCF-style: chr5-132228718-G-A.
Other names: c.2396+4C>T (NM_014423.3).
Identifiers: ClinVar variation 4751723 (VCV004751723.2).